The following is an entry in ClinVar:

NM_001009944.3(PKD1):c.5847C>T (p.Ser1949=)

Gene: PKD1 (polycystin 1, transient receptor potential channel interacting; minus strand). Cytogenetic location: 16p13.3.
Variant type: single nucleotide variant.
Coding change: c.5847C>T on transcript NM_001009944.3 (MANE Select); coding-DNA position 5847, C replaced by T.
Protein change: p.Ser1949=; no amino-acid change (serine 1949 retained).
Molecular consequence: synonymous variant.
Genome position (GRCh38, 1-based): chr16:2,109,320, G>A on the plus strand (C>T on the coding strand, the complement: PKD1 is on the minus strand). VCF-style: chr16-2109320-G-A. GRCh37 (hg19) VCF-style: chr16-2159321-G-A.
Other names: p.Ser1949=; c.5847C>T, p.Ser1949= (NM_000296.4).
Identifiers: ClinVar variation 256983 (VCV000256983.19), dbSNP rs80111665, ClinGen allele CA7831832.

ClinVar aggregate classification (germline): Benign/Likely benign. Review status: criteria provided, multiple submitters, no conflicts (2 of 4 stars). 9 submissions from 9 submitters: Benign (5); Likely benign (2). 2 of the submissions do not count toward it. Last evaluated 2026-01-30.

Conditions:
PKD1-related disorder. Also called: PKD1-related condition.
Polycystic kidney disease, adult type (PKD1). Also called: Polycystic Kidney Disease 1, Autosomal Dominant; Polycystic kidney disease 1; Polycystic kidney disease 1, severe; POLYCYSTIC KIDNEY DISEASE 1 WITH OR WITHOUT POLYCYSTIC LIVER DISEASE; Polycystic Kidney, Autosomal Dominant; POLYCYSTIC KIDNEY DISEASE, ADULT, TYPE I. Identifiers: MedGen C3149841, MONDO:0008263, OMIM 173900.
Polycystic kidney disease. Also called: Polycystic kidney dysplasia; Kidney, Polycystic. Identifiers: MedGen C0022680, MeSH D007690, MONDO:0020642, HP:0000113.

Allele frequency attached by ClinVar (database versions not stated): ESP Exome Variant Server 0.00048; gnomAD exomes 0.00228 and 0.00663; gnomAD 0.00350 and 0.00413; TOPMed 0.00372; ExAC 0.00670; 1000 Genomes Project 0.01218; 1000 Genomes Project 30x 0.01234.
gnomAD v4.1: 4,097 of 1,587,532 alleles (0.26%); highest among the groups gnomAD compares: East Asian, 4.2%; 70 homozygotes.

Submissions (9):

Women's Health and Genetics/Laboratory Corporation of America, LabCorp
Classification: Benign. Last evaluated: 2026-01-30. Review status: criteria provided, single submitter. Criteria: LabCorp Variant Classification Summary - May 2015. Collection method: clinical testing. Allele origin: germline.

Blueprint Genetics
Classification: Likely benign. Last evaluated: 2024-11-21. Review status: criteria provided, single submitter. Criteria: ACMG Guidelines, 2015. Collection method: clinical testing. Allele origin: germline.

Mayo Clinic Laboratories, Mayo Clinic
Classification: Benign. Last evaluated: 2023-04-10. Review status: criteria provided, single submitter. Criteria: ACMG Guidelines, 2015. Collection method: clinical testing. Allele origin: germline. Observed: 2 variant alleles.

GeneDx
Classification: Benign. Last evaluated: 2020-10-14. Review status: criteria provided, single submitter. Criteria: GeneDx Variant Classification Process June 2021. Collection method: clinical testing. Allele origin: germline. Affected: yes.
Comment: This variant is associated with the following publications: (PMID: 11012875, 22383692, 18837007, 22185115)

ARUP Laboratories, Molecular Genetics and Genomics, ARUP Laboratories
Classification: Benign for Polycystic kidney disease, adult type. Last evaluated: 2019-01-29. Review status: criteria provided, single submitter. Criteria: ARUP Molecular Germline Variant Investigation Process. Collection method: clinical testing. Allele origin: germline.

Athena Diagnostics
Classification: Benign. Last evaluated: 2018-03-21. Review status: criteria provided, single submitter. Criteria: Athena Diagnostics Criteria. Collection method: clinical testing. Allele origin: germline.

Breakthrough Genomics
Classification: Likely benign. Review status: criteria provided, single submitter. Criteria: ACMG Guidelines, 2015. Collection method: not provided. Allele origin: germline. Inheritance: Autosomal dominant inheritance. Affected: yes.

PreventionGenetics, part of Exact Sciences
Classification: Benign for PKD1-related condition. Last evaluated: 2019-06-20. Review status: no assertion criteria provided. Collection method: clinical testing. Allele origin: germline. Not counted in ClinVar's aggregate classification.
Comment: This variant is classified as benign based on ACMG/AMP sequence variant interpretation guidelines (Richards et al. 2015 PMID: 25741868, with internal and published modifications).

Department of Pathology and Laboratory Medicine, Sinai Health System
Classification: Benign for Polycystic Kidney disease. Review status: no assertion criteria provided. Collection method: clinical testing. Allele origin: unknown. Affected: yes. Observed: 1 variant allele. Study: The Canadian Open Genetics Repository (COGR). Not counted in ClinVar's aggregate classification.
Comment: The PKD1 p.Ser1949= variant was identified in 1 of 460 proband chromosomes (frequency: 0.002) from individuals or families with ADPKD, and was present in 1 of 92 control chromosomes (frequency: 0.01) from healthy individuals (Rossetti_2012_22383692, Phakdeekitcharoen_2000_11012875). The variant was also identified in dbSNP (ID: rs80111665) as â€šÃ„ÃºWith Likely benign alleleâ€šÃ„Ã¹, ClinVar (classified as benign by ARUP Laboratories and likely benign by PreventionGenetics), and the ADPKD Mutation Database (classified as likely neutral). The variant was not identified in GeneInsight-COGR, LOVD 3.0, or PKD1-LOVD databases. The variant was identified in control databases in 1665 of 257370 chromosomes (38 homozygous) at a frequency of 0.006 increasing the likelihood this could be a low frequency benign variant (Genome Aggregation Database Feb 27, 2017). Breakdown of the observations by population include African in 3 of 22624 chromosomes (freq: 0.0001), Other in 41 of 6190 chromosomes (freq: 0.007), Latino in 112 of 33994 chromosomes (freq: 0.003), European Non-Finnish in 123 of 119088 chromosomes (freq: 0.001), Ashkenazi Jewish in 53 of 9568 chromosomes (freq: 0.006), East Asian in 1005 of 18588 chromosomes (freq: 0.05), European Finnish in 280 of 17560 chromosomes (freq: 0.02), and South Asian in 48 of 29758 chromosomes (freq: 0.002). In addition we cannot be certain that data from control databases is specific to PKD1 and not from one of the six PKD1 pseudogenes. The variant occurs outside of the splicing consensus sequence and 3 of 5 in silico or computational prediction software programs (SpliceSiteFinder, MaxEntScan, NNSPLICE, GeneSplicer, HumanSpliceFinder) predict a greater than 10% difference in splicing; this is not very predictive of pathogenicity. The p.Ser1949= variant is not expected to have clinical significance because it does not result in a change of amino acid and is not located in a known consensus splice site. In summary, based on the above information this variant meets our laboratory criteria to be classified as benign.